The following is an entry in ClinVar:

ClinVar aggregate classification (germline): Uncertain significance. Review status: criteria provided, multiple submitters, no conflicts (2 of 4 stars). 2 submissions from 2 submitters: Uncertain significance (2). Last evaluated 2025-04-30.

gnomAD v4.1: 4 of 1,614,236 alleles (0.00025%); highest among the groups gnomAD compares: Non-Finnish European, 0.00034%; no homozygotes.

Submissions (2):

Dasa
Classification: Uncertain significance. Last evaluated: 2025-04-30. Review status: criteria provided, single submitter. Criteria: DASA Assertion Criteria. Collection method: clinical testing. Allele origin: germline.
Comment: NM_005612.5(REST):c.2490G>T (p.Arg830Ser) is a missense variant that results in the substitution of arginine with serine. This variant is rare in population databases. Computational prediction algorithms are consistent with a benign effect. The currently available literature and clinical evidence are not sufficient to establish a definitive association between this variant and the reported condition. Therefore, this variant is classified as a variant of uncertain significance.

Labcorp Genetics (formerly Invitae), Labcorp
Classification: Uncertain significance. Last evaluated: 2023-11-28. Review status: criteria provided, single submitter. Criteria: Invitae Variant Classification Sherloc (09022015). Collection method: clinical testing. Allele origin: germline.
Comment: This sequence change replaces arginine, which is basic and polar, with serine, which is neutral and polar, at codon 830 of the REST protein (p.Arg830Ser). This variant is present in population databases (no rsID available, gnomAD 0.0009%). This variant has not been reported in the literature in individuals affected with REST-related conditions. An algorithm developed to predict the effect of missense changes on protein structure and function (PolyPhen-2) suggests that this variant is likely to be tolerated. In summary, the available evidence is currently insufficient to determine the role of this variant in disease. Therefore, it has been classified as a Variant of Uncertain Significance.

NM_005612.5(REST):c.2490G>T (p.Arg830Ser)

Gene: REST (RE1 silencing transcription factor; plus strand). Cytogenetic location: 4q12.
Variant type: single nucleotide variant.
Coding change: c.2490G>T on transcript NM_005612.5 (MANE Select); coding-DNA position 2490, G replaced by T.
Protein change: p.Arg830Ser; replaces arginine 830 with serine.
Molecular consequence: missense variant.
Genome position (GRCh38, 1-based): chr4:56,931,348, G>T. VCF-style: chr4-56931348-G-T. GRCh37 (hg19) VCF-style: chr4-57797514-G-T.
Other names: c.2490G>T, p.Arg830Ser (NM_001193508.2, NM_001363453.3); short protein forms R830S.
Identifiers: ClinVar variation 2897663 (VCV002897663.5), dbSNP rs1464450663, ClinGen allele CA357008900.